The following is an entry in ClinVar:

ClinVar aggregate classification (germline): Uncertain significance (1 of 4 stars; one submission).

Conditions:
Inborn genetic diseases. Identifiers: MedGen C0950123, MeSH D030342.

gnomAD v4.1: 8 of 1,208,548 alleles (0.00066%); highest among the groups gnomAD compares: Admixed American, 0.0022%; no homozygotes.

Submission:

Ambry Genetics
Classification: Uncertain significance for Inborn genetic diseases. Last evaluated: 2026-02-25. Review status: criteria provided, single submitter. Criteria: Ambry Variant Classification Scheme 2023. Collection method: clinical testing. Allele origin: germline.
Comment: The c.1216G>A (p.E406K) alteration is located in exon 3 (coding exon 3) of the XK gene. This alteration results from a G to A substitution at nucleotide position 1216, causing the glutamic acid (E) at amino acid position 406 to be replaced by a lysine (K). Based on data from gnomAD, the A allele has an overall frequency of 0.002% (3/203538) total alleles studied. The highest observed frequency was 0.004% (1/27934) of Latino alleles. Based on insufficient or conflicting evidence, the clinical significance of this alteration remains unclear.

NM_021083.4(XK):c.1216G>A (p.Glu406Lys)

Gene: XK (X-linked Kx blood group antigen, Kell and VPS13A binding protein; plus strand). Cytogenetic location: Xp21.1.
Variant type: single nucleotide variant.
Coding change: c.1216G>A on transcript NM_021083.4 (MANE Select); coding-DNA position 1216, G replaced by A.
Protein change: p.Glu406Lys; replaces glutamic acid 406 with lysine.
Molecular consequence: missense variant.
Genome position (GRCh38, 1-based): chrX:37,728,343, G>A. VCF-style: chrX-37728343-G-A. GRCh37 (hg19) VCF-style: chrX-37587596-G-A.
Other names: short protein forms E406K.
Identifiers: ClinVar variation 4831173 (VCV004831173.1).